The following is an entry in ClinVar:

NM_020937.4(FANCM):c.1988T>A (p.Phe663Tyr)

Gene: FANCM (FA complementation group M; plus strand). Cytogenetic location: 14q21.2.
Variant type: single nucleotide variant.
Coding change: c.1988T>A on transcript NM_020937.4 (MANE Select); coding-DNA position 1988, T replaced by A.
Protein change: p.Phe663Tyr; replaces phenylalanine 663 with tyrosine.
Molecular consequence: missense variant.
Genome position (GRCh38, 1-based): chr14:45,167,149, T>A. VCF-style: chr14-45167149-T-A. GRCh37 (hg19) VCF-style: chr14-45636352-T-A.
Other names: c.1910T>A, p.Phe637Tyr (NM_001308133.2); c.1988T>A, p.Phe663Tyr (NM_001308134.2); short protein forms F637Y, F663Y.
Identifiers: ClinVar variation 3365785 (VCV003365785.1).

ClinVar aggregate classification (germline): Uncertain significance (1 of 4 stars; one submission).

Submission:

GeneDx
Classification: Uncertain significance. Last evaluated: 2023-12-14. Review status: criteria provided, single submitter. Criteria: GeneDx Variant Classification Process June 2021. Collection method: clinical testing. Allele origin: germline. Affected: yes.
Comment: Not observed at significant frequency in large population cohorts (gnomAD); In silico analysis supports that this missense variant does not alter protein structure/function; Has not been previously published as pathogenic or benign to our knowledge